The following is an entry in ClinVar:

ClinVar aggregate classification (germline): Benign/Likely benign. Review status: criteria provided, multiple submitters, no conflicts (2 of 4 stars). 5 submissions from 5 submitters: Benign (1); Likely benign (4). Last evaluated 2026-04-01.

Conditions:
PCDH15-related disorder. Also called: PCDH15-related disorders; PCDH15-related condition.

Allele frequency attached by ClinVar (database versions not stated): TOPMed 0.00037; ESP Exome Variant Server 0.00054; 1000 Genomes Project 30x 0.00062; gnomAD 0.00064; 1000 Genomes Project 0.00080.
gnomAD v4.1: 194 of 1,613,878 alleles (0.012%); highest among the groups gnomAD compares: African/African-American, 0.2%; no homozygotes.

Submissions (5):

CeGaT Center for Human Genetics Tuebingen
Classification: Likely benign. Last evaluated: 2026-04-01. Review status: criteria provided, single submitter. Criteria: CeGaT Center For Human Genetics Tuebingen Variant Classification Criteria Version 2. Collection method: clinical testing. Allele origin: germline. Affected: yes. Observed: 1 variant allele.
Comment: PCDH15: BP4, BP7

Labcorp Genetics (formerly Invitae), Labcorp
Classification: Benign. Last evaluated: 2026-01-28. Review status: criteria provided, single submitter. Criteria: Invitae Variant Classification Sherloc (09022015). Collection method: clinical testing. Allele origin: germline.

PreventionGenetics, part of Exact Sciences
Classification: Likely benign for PCDH15-related condition. Last evaluated: 2024-10-25. Review status: criteria provided, single submitter. Criteria: ACMG Guidelines, 2015. Collection method: clinical testing. Allele origin: germline.
Comment: This variant is classified as likely benign based on ACMG/AMP sequence variant interpretation guidelines (Richards et al. 2015 PMID: 25741868, with internal and published modifications).

Blueprint Genetics
Classification: Likely benign. Last evaluated: 2024-09-10. Review status: criteria provided, single submitter. Criteria: ACMG Guidelines, 2015. Collection method: clinical testing. Allele origin: germline.

GeneDx
Classification: Likely benign. Last evaluated: 2021-03-31. Review status: criteria provided, single submitter. Criteria: GeneDx Variant Classification Process June 2021. Collection method: clinical testing. Allele origin: germline. Affected: yes.

NM_001384140.1(PCDH15):c.3877C>A (p.Arg1293=)

Gene: PCDH15 (protocadherin related 15; minus strand). Cytogenetic location: 10q21.1.
Variant type: single nucleotide variant.
Coding change: c.3877C>A on transcript NM_001384140.1 (MANE Select); coding-DNA position 3877, C replaced by A.
Protein change: p.Arg1293=; no amino-acid change (arginine 1293 retained).
Molecular consequence: synonymous variant.
Genome position (GRCh38, 1-based): chr10:53,840,426, G>T on the plus strand (C>A on the coding strand, the complement: PCDH15 is on the minus strand). VCF-style: chr10-53840426-G-T. GRCh37 (hg19) VCF-style: chr10-55600186-G-T.
Other names: c.3892C>A, p.Arg1298= (NM_001142763.2, NM_001142771.2); c.3877C>A, p.Arg1293= (NM_001142764.2, NM_001142766.2, NM_001142770.3 and 4 more transcripts); c.3664C>A, p.Arg1222= (NM_001142765.2); c.3766C>A, p.Arg1256= (NM_001142767.2); c.3811C>A, p.Arg1271= (NM_001142768.2, NM_001142773.2, NM_001354404.2); c.3913C>A, p.Arg1305= (NM_001142769.4); c.3898C>A, p.Arg1300= (NM_001354411.2).
Identifiers: ClinVar variation 383744 (VCV000383744.18), dbSNP rs142034111, ClinGen allele CA5505519.